The following is an entry in ClinVar:

ClinVar aggregate classification (germline): Conflicting classifications of pathogenicity. Review status: criteria provided, conflicting classifications (1 of 4 stars). 4 submissions from 4 submitters: Uncertain significance (1); Likely benign (2). 1 of the submissions does not count toward it. Last evaluated 2024-05-15.

Conditions:
Primary ciliary dyskinesia. Also called: Ciliary dyskinesia. Identifiers: Orphanet 244, MedGen C0008780, MONDO:0016575, HP:0012265.

Allele frequency attached by ClinVar (database versions not stated): TOPMed 0.00002; ExAC 0.00003; gnomAD exomes 0.00006.
gnomAD v4.1: 20 of 1,613,122 alleles (0.0012%); highest among the groups gnomAD compares: Admixed American, 0.033%; no homozygotes.

Submissions (4):

Labcorp Genetics (formerly Invitae), Labcorp
Classification: Likely benign for Primary ciliary dyskinesia. Last evaluated: 2024-05-15. Review status: criteria provided, single submitter. Criteria: Invitae Variant Classification Sherloc (09022015). Collection method: clinical testing. Allele origin: germline.

Ambry Genetics
Classification: Uncertain significance for Primary ciliary dyskinesia. Last evaluated: 2023-10-26. Review status: criteria provided, single submitter. Criteria: Ambry Variant Classification Scheme 2023. Collection method: clinical testing. Allele origin: germline.
Comment: The p.N903T variant (also known as c.2708A>C), located in coding exon 18 of the DNAH5 gene, results from an A to C substitution at nucleotide position 2708. The asparagine at codon 903 is replaced by threonine, an amino acid with similar properties. This amino acid position is conserved. In addition, this alteration is predicted to be tolerated by in silico analysis. Since supporting evidence is limited at this time, the clinical significance of this alteration remains unclear.

PreventionGenetics, part of Exact Sciences
Classification: Likely benign. Review status: criteria provided, single submitter. Criteria: ACMG Guidelines, 2015. Collection method: clinical testing. Allele origin: germline.

Natera, Inc.
Classification: Uncertain significance for Primary ciliary dyskinesia. Last evaluated: 2020-03-13. Review status: no assertion criteria provided. Collection method: clinical testing. Allele origin: germline. Not counted in ClinVar's aggregate classification.

NM_001369.3(DNAH5):c.2708A>C (p.Asn903Thr)

Genes: DNAH5-AS1 (DNAH5 antisense RNA 1; plus strand), DNAH5 (dynein axonemal heavy chain 5; minus strand). Cytogenetic location: 5p15.2.
Variant type: single nucleotide variant.
Coding change: c.2708A>C on transcript NM_001369.3 (MANE Select); coding-DNA position 2708, A replaced by C.
Protein change: p.Asn903Thr; replaces asparagine 903 with threonine.
Molecular consequence: missense variant.
Genome position (GRCh38, 1-based): chr5:13,885,999, T>G on the plus strand (A>C on the coding strand, the complement: DNAH5 is on the minus strand). VCF-style: chr5-13885999-T-G. GRCh37 (hg19) VCF-style: chr5-13886108-T-G.
Other names: short protein forms N903T.
Identifiers: ClinVar variation 258015 (VCV000258015.16), dbSNP rs749503841, ClinGen allele CA3204517.